The following is an entry in ClinVar:

NM_004793.4(LONP1):c.1513A>G (p.Ile505Val)

Gene: LONP1 (lon peptidase 1, mitochondrial; minus strand). Cytogenetic location: 19p13.3.
Variant type: single nucleotide variant.
Coding change: c.1513A>G on transcript NM_004793.4 (MANE Select); coding-DNA position 1513, A replaced by G.
Protein change: p.Ile505Val; replaces isoleucine 505 with valine.
Molecular consequence: missense variant. On other transcripts: non-coding transcript variant (1).
Genome position (GRCh38, 1-based): chr19:5,699,199, T>C on the plus strand (A>G on the coding strand, the complement: LONP1 is on the minus strand). VCF-style: chr19-5699199-T-C. GRCh37 (hg19) VCF-style: chr19-5699210-T-C.
Other names: c.925A>G, p.Ile309Val (NM_001276480.1); c.1321A>G, p.Ile441Val (NM_001276479.2); short protein forms I309V, I441V, I505V.
Identifiers: ClinVar variation 3626921 (VCV003626921.2).

ClinVar aggregate classification (germline): Uncertain significance (1 of 4 stars; one submission).

gnomAD v4.1: 3 of 1,502,024 alleles (0.0002%); highest among the groups gnomAD compares: Admixed American, 0.0021%; no homozygotes.

Submission:

Labcorp Genetics (formerly Invitae), Labcorp
Classification: Uncertain significance. Last evaluated: 2025-03-04. Review status: criteria provided, single submitter. Criteria: Invitae Variant Classification Sherloc (09022015). Collection method: clinical testing. Allele origin: germline.
Comment: This sequence change replaces isoleucine, which is neutral and non-polar, with valine, which is neutral and non-polar, at codon 505 of the LONP1 protein (p.Ile505Val). This variant is not present in population databases (gnomAD no frequency). This variant has not been reported in the literature in individuals affected with LONP1-related conditions. Invitae Evidence Modeling of protein sequence and biophysical properties (such as structural, functional, and spatial information, amino acid conservation, physicochemical variation, residue mobility, and thermodynamic stability) indicates that this missense variant is not expected to disrupt LONP1 protein function with a negative predictive value of 95%. In summary, the available evidence is currently insufficient to determine the role of this variant in disease. Therefore, it has been classified as a Variant of Uncertain Significance.